The following is an entry in ClinVar:

NM_001085487.3(MYSM1):c.1767+9A>C

Gene: MYSM1 (Myb like, SWIRM and MPN domains 1; minus strand). Cytogenetic location: 1p32.1.
Variant type: single nucleotide variant.
Coding change: c.1767+9A>C on transcript NM_001085487.3 (MANE Select); 9 bases into the intron after coding-DNA position 1767, A replaced by C.
Molecular consequence: intron variant.
Genome position (GRCh38, 1-based): chr1:58,668,623, T>G on the plus strand (A>C on the coding strand, the complement: MYSM1 is on the minus strand). VCF-style: chr1-58668623-T-G. GRCh37 (hg19) VCF-style: chr1-59134295-T-G.
Other names: c.1767+9A>C (NM_001085487.2).
Identifiers: ClinVar variation 1166160 (VCV001166160.12), dbSNP rs75089165, ClinGen allele CA877687.

ClinVar aggregate classification (germline): Benign/Likely benign. Review status: criteria provided, multiple submitters, no conflicts (2 of 4 stars). 3 submissions from 3 submitters: Benign (1); Likely benign (1). 1 of the submissions does not count toward it. Last evaluated 2026-01-19.

Conditions:
MYSM1-related disorder. Also called: MYSM1-related condition.

Allele frequency attached by ClinVar (database versions not stated): gnomAD exomes 0.00024 and 0.00076; ExAC 0.00125; 1000 Genomes Project 30x 0.00250; 1000 Genomes Project 0.00280.
gnomAD v4.1: 421 of 1,600,462 alleles (0.026%); highest among the groups gnomAD compares: East Asian, 0.86%; 3 homozygotes.

Submissions (3):

Labcorp Genetics (formerly Invitae), Labcorp
Classification: Benign. Last evaluated: 2026-01-19. Review status: criteria provided, single submitter. Criteria: Invitae Variant Classification Sherloc (09022015). Collection method: clinical testing. Allele origin: germline.

Blueprint Genetics
Classification: Likely benign. Last evaluated: 2024-08-14. Review status: criteria provided, single submitter. Criteria: ACMG Guidelines, 2015. Collection method: clinical testing. Allele origin: germline.

PreventionGenetics, part of Exact Sciences
Classification: Likely benign for MYSM1-related condition. Last evaluated: 2021-08-17. Review status: no assertion criteria provided. Collection method: clinical testing. Allele origin: germline. Not counted in ClinVar's aggregate classification.
Comment: This variant is classified as likely benign based on ACMG/AMP sequence variant interpretation guidelines (Richards et al. 2015 PMID: 25741868, with internal and published modifications).